The following is an entry in ClinVar:

ClinVar aggregate classification (germline): Uncertain significance (1 of 4 stars; one submission).

Allele frequency attached by ClinVar (database versions not stated): gnomAD exomes below 0.00001.
gnomAD v4.1: 3 of 1,613,310 alleles (0.00019%); highest among the groups gnomAD compares: Non-Finnish European, 0.00025%; no homozygotes.

Submission:

Biesecker Lab/Clinical Genomics Section, National Institutes of Health
Classification: Uncertain significance. Last evaluated: 2013-06-24. Review status: criteria provided, single submitter. Criteria: Ng et al. (Circ Cardiovasc Genet. 2013). Collection method: research. Allele origin: unknown. Observed: 1 variant allele. Study: ClinSeq.
Comment: The study set was not selected for affection status in relation to any cancer. Pathogenicity categories were based on literature curation. See Pubmed ID:23861362 for details.

Medical sequencing

NM_001267550.2(TTN):c.81868G>C (p.Gly27290Arg)

Genes: TTN (titin; minus strand), TTN-AS1 (TTN antisense RNA 1; plus strand). Cytogenetic location: 2q31.2.
Variant type: single nucleotide variant.
Coding change: c.81868G>C on transcript NM_001267550.2 (MANE Select); coding-DNA position 81868, G replaced by C.
Protein change: p.Gly27290Arg; replaces glycine 27290 with arginine.
Molecular consequence: missense variant.
Genome position (GRCh38, 1-based): chr2:178,564,264, C>G on the plus strand (G>C on the coding strand, the complement: TTN is on the minus strand). VCF-style: chr2-178564264-C-G. GRCh37 (hg19) VCF-style: chr2-179428991-C-G.
Other names: c.76945G>C, p.Gly25649Arg (NM_001256850.1); c.54673G>C, p.Gly18225Arg (NM_003319.4); c.74164G>C, p.Gly24722Arg (NM_133378.4); c.55048G>C, p.Gly18350Arg (NM_133432.3); c.55249G>C, p.Gly18417Arg (NM_133437.4); short protein forms G24722R, G27290R, G18417R, G18225R, G25649R, G18350R.
Identifiers: ClinVar variation 191884 (VCV000191884.1), dbSNP rs786205377, ClinGen allele CA237782.
Genomic context (GRCh38, chr2:178,564,264, plus strand): 5'-ACCAAACAACATCAGGTATAGGTTTGCCACGGATGTCGGCTTCAAGAACAAAAGTCTCTC[C>G]TGCATGAACAACGATGACATCTTTATATTTTGGATCCAGAGAGGCATTTGGTGCATCAAT-3'
Protein context (NP_001254479.2, residues 27280-27300): KYKDVIVVHA[Gly27290Arg]ETFVLEADIR